The following is an entry in ClinVar:

NM_016341.4(PLCE1):c.789C>A (p.Tyr263Ter)

Gene: PLCE1 (phospholipase C epsilon 1; plus strand). Cytogenetic location: 10q23.33.
Variant type: single nucleotide variant.
Coding change: c.789C>A on transcript NM_016341.4 (MANE Select); coding-DNA position 789, C replaced by A.
Protein change: p.Tyr263Ter; replaces tyrosine 263 with a stop codon.
Molecular consequence: nonsense.
Genome position (GRCh38, 1-based): chr10:94,031,835, C>A. VCF-style: chr10-94031835-C-A. GRCh37 (hg19) VCF-style: chr10-95791592-C-A.
Other names: c.789C>A, p.Tyr263Ter (NM_001288989.2); short protein forms Y263*.
Identifiers: ClinVar variation 4293375 (VCV004293375.1).

ClinVar aggregate classification (germline): Pathogenic (1 of 4 stars; one submission).

Conditions:
Nephrotic syndrome, type 3 (NPHS3). Also called: NEPHROTIC SYNDROME, EARLY-ONSET, TYPE 3. Identifiers: Orphanet 656, MedGen C1853124, MONDO:0012546, OMIM 610725.

Submission:

3billion
Classification: Pathogenic for Nephrotic syndrome, type 3. Last evaluated: 2024-10-31. Review status: criteria provided, single submitter. Criteria: ACMG Guidelines, 2015. Collection method: clinical testing. Allele origin: germline. Affected: yes.
Comment: The variant is not observed in the gnomAD v4.1.0 dataset. Predicted Consequence/Location: Stop-gained (nonsense): predicted to result in a loss or disruption of normal protein function through nonsense-mediated decay (NMD) or protein truncation. Multiple pathogenic variants are reported downstream of the variant. Therefore, this variant is classified as Pathogenic according to the recommendation of ACMG/AMP guideline.